The following is an entry in ClinVar:

NM_001355436.2(SPTB):c.560C>T (p.Thr187Met)

Gene: SPTB (spectrin beta, erythrocytic; minus strand). Cytogenetic location: 14q23.3.
Variant type: single nucleotide variant.
Coding change: c.560C>T on transcript NM_001355436.2 (MANE Select); coding-DNA position 560, C replaced by T.
Protein change: p.Thr187Met; replaces threonine 187 with methionine.
Molecular consequence: missense variant.
Genome position (GRCh38, 1-based): chr14:64,802,232, G>A on the plus strand (C>T on the coding strand, the complement: SPTB is on the minus strand). VCF-style: chr14-64802232-G-A. GRCh37 (hg19) VCF-style: chr14-65268950-G-A.
Other names: c.560C>T, p.Thr187Met (NM_001024858.4, NM_001355437.2); short protein forms T187M.
Identifiers: ClinVar variation 4737311 (VCV004737311.1).

ClinVar aggregate classification (germline): Uncertain significance (1 of 4 stars; one submission).

gnomAD v4.1: 123 of 1,614,234 alleles (0.0076%); highest among the groups gnomAD compares: South Asian, 0.074%; no homozygotes.

Submission:

Labcorp Genetics (formerly Invitae), Labcorp
Classification: Uncertain significance. Last evaluated: 2025-03-20. Review status: criteria provided, single submitter. Criteria: Invitae Variant Classification Sherloc (09022015). Collection method: clinical testing. Allele origin: germline.
Comment: This sequence change replaces threonine, which is neutral and polar, with methionine, which is neutral and non-polar, at codon 187 of the SPTB protein (p.Thr187Met). This variant is present in population databases (rs184200762, gnomAD 0.05%). This variant has not been reported in the literature in individuals affected with SPTB-related conditions. An algorithm developed to predict the effect of missense changes on protein structure and function (PolyPhen-2) suggests that this variant is likely to be disruptive. In summary, the available evidence is currently insufficient to determine the role of this variant in disease. Therefore, it has been classified as a Variant of Uncertain Significance.